The following is an entry in ClinVar:

ClinVar aggregate classification (germline): Pathogenic/Likely pathogenic. Review status: criteria provided, multiple submitters, no conflicts (2 of 4 stars). 2 submissions from 2 submitters: Pathogenic (1); Likely pathogenic (1). Last evaluated 2024-08-28.

Conditions:
Neurofibromatosis, type 1 (NF1). Also called: Neurofibromatosis, type I; NEUROFIBROMATOSIS, TYPE I, SOMATIC; Peripheral type neurofibromatosis; VON RECKLINGHAUSEN DISEASE. Identifiers: Orphanet 636, MedGen C0027831, MONDO:0018975, OMIM 162200. Disease mechanism: loss of function.

Submissions (2):

Equipe Genetique des Anomalies du Developpement, Université de Bourgogne
Classification: Likely pathogenic for Neurofibromatosis, type 1. Last evaluated: 2024-08-28. Review status: criteria provided, single submitter. Criteria: ACMG Guidelines, 2015. Collection method: clinical testing. Allele origin: germline. Affected: yes.
Comment: Missense and nonsense variants in NF1 are linked to neurofibromatosis type 1 (OMIM #162200). This variant is not present in population database gnomAD (v4.1.0). It has been reported as pathogenic once in ClinVar. This variant was reported once in literature in a patient with neurofibromatosis type 1 (PMID 22190595). In silico missense prediction scores are in favor of pathogenicity. Based on the evidence outlined above, the variant was classified as likely pathogenic.

Labcorp Genetics (formerly Invitae), Labcorp
Classification: Pathogenic for Neurofibromatosis, type 1. Last evaluated: 2023-10-19. Review status: criteria provided, single submitter. Criteria: Invitae Variant Classification Sherloc (09022015). Collection method: clinical testing. Allele origin: germline.
Comment: This sequence change replaces phenylalanine, which is neutral and non-polar, with leucine, which is neutral and non-polar, at codon 1863 of the NF1 protein (p.Phe1863Leu). This variant is not present in population databases (gnomAD no frequency). This missense change has been observed in individual(s) with neurofibromatosis type 1 (NF1) (PMID: 22190595; Invitae). In at least one individual the variant was observed to be de novo. ClinVar contains an entry for this variant (Variation ID: 404601). Advanced modeling of protein sequence and biophysical properties (such as structural, functional, and spatial information, amino acid conservation, physicochemical variation, residue mobility, and thermodynamic stability) performed at Invitae indicates that this missense variant is expected to disrupt NF1 protein function. This variant disrupts the p.Phe1863 amino acid residue in NF1. Other variant(s) that disrupt this residue have been determined to be pathogenic (PMID: 23656349). This suggests that this residue is clinically significant, and that variants that disrupt this residue are likely to be disease-causing. For these reasons, this variant has been classified as Pathogenic.

Literature cited by the submitters: PubMed 22190595 (cited by Equipe Genetique des Anomalies du Developpement, Université de Bourgogne and Labcorp Genetics (formerly Invitae), Labcorp); PubMed 23656349 (cited by Labcorp Genetics (formerly Invitae), Labcorp).

NM_001042492.3(NF1):c.5650T>C (p.Phe1884Leu)

Gene: NF1 (neurofibromin 1; plus strand). Cytogenetic location: 17q11.2.
Variant type: single nucleotide variant.
Coding change: c.5650T>C on transcript NM_001042492.3 (MANE Select); coding-DNA position 5650, T replaced by C.
Protein change: p.Phe1884Leu; replaces phenylalanine 1884 with leucine.
Molecular consequence: missense variant.
Genome position (GRCh38, 1-based): chr17:31,330,336, T>C. VCF-style: chr17-31330336-T-C. GRCh37 (hg19) VCF-style: chr17-29657354-T-C.
Other names: c.5587T>C, p.Phe1863Leu (NM_000267.4); short protein forms F1884L, F1863L.
Identifiers: ClinVar variation 404601 (VCV000404601.8), dbSNP rs1060500378, ClinGen allele CA16615653.